The following is an entry in ClinVar:

NM_032608.7(MYO18B):c.4768G>T (p.Val1590Phe)

Genes: MYO18B (myosin XVIIIB; plus strand), MYO18B-AS1 (MYO18B antisense RNA 1; minus strand). Cytogenetic location: 22q12.1.
Variant type: single nucleotide variant.
Coding change: c.4768G>T on transcript NM_032608.7 (MANE Select); coding-DNA position 4768, G replaced by T.
Protein change: p.Val1590Phe; replaces valine 1590 with phenylalanine.
Molecular consequence: missense variant.
Genome position (GRCh38, 1-based): chr22:25,898,406, G>T. VCF-style: chr22-25898406-G-T. GRCh37 (hg19) VCF-style: chr22-26294373-G-T.
Other names: c.4771G>T, p.Val1591Phe (NM_001318245.2); short protein forms V1590F, V1591F.
Identifiers: ClinVar variation 2963395 (VCV002963395.2), dbSNP rs372589915, ClinGen allele CA411010944.
Genomic context (GRCh38, chr22:25,898,406, plus strand): 5'-ATGGCTCACCAACTGAAGAGGAAGTGCCACCATCTTACCTGTGACCTTGAGGATACCTGC[G>T]TCCTGCTAGAGAACCAACAAAGTCGAAACCATGAGCTGGAGAAGAAGCAGAAGAAGTGAG-3'
Protein context (NP_115997.5, residues 1580-1600): HLTCDLEDTC[Val1590Phe]LLENQQSRNH

ClinVar aggregate classification (germline): Uncertain significance (1 of 4 stars; one submission).

gnomAD v4.1: 1 of 1,613,916 alleles (0.000062%); highest among the groups gnomAD compares: East Asian, 0.0022%; no homozygotes.

Submission:

Labcorp Genetics (formerly Invitae), Labcorp
Classification: Uncertain significance. Last evaluated: 2023-01-05. Review status: criteria provided, single submitter. Criteria: Invitae Variant Classification Sherloc (09022015). Collection method: clinical testing. Allele origin: germline.
Comment: This sequence change replaces valine, which is neutral and non-polar, with phenylalanine, which is neutral and non-polar, at codon 1590 of the MYO18B protein (p.Val1590Phe). This variant is not present in population databases (gnomAD no frequency). This variant has not been reported in the literature in individuals affected with MYO18B-related conditions. Algorithms developed to predict the effect of missense changes on protein structure and function are either unavailable or do not agree on the potential impact of this missense change (SIFT: "Not Available"; PolyPhen-2: "Benign"; Align-GVGD: "Not Available"). In summary, the available evidence is currently insufficient to determine the role of this variant in disease. Therefore, it has been classified as a Variant of Uncertain Significance.